The following is an entry in ClinVar:

NM_000088.4(COL1A1):c.625G>A (p.Gly209Ser)

Gene: COL1A1 (collagen type I alpha 1 chain; minus strand). Cytogenetic location: 17q21.33.
Variant type: single nucleotide variant.
Coding change: c.625G>A on transcript NM_000088.4 (MANE Select); coding-DNA position 625, G replaced by A.
Protein change: p.Gly209Ser; replaces glycine 209 with serine.
Molecular consequence: missense variant.
Genome position (GRCh38, 1-based): chr17:50,197,966, C>T on the plus strand (G>A on the coding strand, the complement: COL1A1 is on the minus strand). VCF-style: chr17-50197966-C-T. GRCh37 (hg19) VCF-style: chr17-48275327-C-T.
Other names: short protein forms G209S.
Identifiers: ClinVar variation 1469275 (VCV001469275.8), dbSNP rs2144586877, ClinGen allele CA400225125.

ClinVar aggregate classification (germline): Likely pathogenic (1 of 4 stars; one submission).

Conditions:
Osteogenesis imperfecta type I (OI1). Also called: Lobstein disease; Osteogenesis imperfecta type 1; Lobstein's Disease; Classic Non-deforming Osteogenesis Imperfecta with Blue Sclerae; OI, TYPE I; OSTEOGENESIS IMPERFECTA TARDA. Identifiers: Orphanet 216796, Orphanet 666, MedGen C0023931, MONDO:0008146, OMIM 166200. Disease mechanism: loss of function.

Submission:

Labcorp Genetics (formerly Invitae), Labcorp
Classification: Likely pathogenic for Osteogenesis imperfecta type I. Last evaluated: 2021-01-14. Review status: criteria provided, single submitter. Criteria: Invitae Variant Classification Sherloc (09022015). Collection method: clinical testing. Allele origin: germline.
Comment: This sequence change replaces glycine with serine at codon 209 of the COL1A1 protein (p.Gly209Ser). The glycine residue is highly conserved and there is a small physicochemical difference between glycine and serine. This variant is not present in population databases (ExAC no frequency). This variant has been observed in individual(s) with clinical features of osteogenesis imperfecta (Invitae). Advanced modeling of protein sequence and biophysical properties (such as structural, functional, and spatial information, amino acid conservation, physicochemical variation, residue mobility, and thermodynamic stability) performed at Invitae indicates that this missense variant is expected to disrupt COL1A1 protein function. This variant disrupts the triple helix domain of COL1A1. Glycine residues within the Gly-Xaa-Yaa repeats of the triple helix domain are required for the structure and stability of fibrillar collagens (PMID: 7695699, 8218237, 19344236). In COL1A1, variants affecting these glycine residues are significantly enriched in individuals with disease (PMID: 9016532, 17078022) compared to the general population (ExAC). In summary, the currently available evidence indicates that the variant is pathogenic, but additional data are needed to prove that conclusively. Therefore, this variant has been classified as Likely Pathogenic. This variant disrupts the p.Gly209 amino acid residue in COL1A1. Other variant(s) that disrupt this residue have been observed in individuals with COL1A1-related conditions (PMID: 24668929, 30715774), which suggests that this may be a clinically significant amino acid residue.

Literature cited by the submitters: PubMed 7695699; PubMed 8218237; PubMed 19344236; PubMed 9016532; PubMed 17078022; PubMed 24668929; PubMed 30715774.